The following is an entry in ClinVar:

NM_018946.4(NANS):c.870+3G>A

Genes: NANS (N-acetylneuraminate synthase; plus strand), TRIM14 (tripartite motif containing 14; minus strand). Cytogenetic location: 9q22.33.
Variant type: single nucleotide variant.
Coding change: c.870+3G>A on transcript NM_018946.4 (MANE Select); 3 bases into the intron after coding-DNA position 870, G replaced by A.
Molecular consequence: intron variant.
Genome position (GRCh38, 1-based): chr9:98,081,085, G>A. VCF-style: chr9-98081085-G-A. GRCh37 (hg19) VCF-style: chr9-100843367-G-A.
Identifiers: ClinVar variation 2177518 (VCV002177518.4), dbSNP rs1218711861, ClinGen allele CA869037440.

ClinVar aggregate classification (germline): Uncertain significance (1 of 4 stars; one submission).

Allele frequency attached by ClinVar (database versions not stated): gnomAD exomes below 0.00001; TOPMed below 0.00001.
gnomAD v4.1: 6 of 1,614,088 alleles (0.00037%); highest among the groups gnomAD compares: Middle Eastern, 0.017%; no homozygotes.

Submission:

Labcorp Genetics (formerly Invitae), Labcorp
Classification: Uncertain significance. Last evaluated: 2024-10-16. Review status: criteria provided, single submitter. Criteria: Invitae Variant Classification Sherloc (09022015). Collection method: clinical testing. Allele origin: germline.
Comment: This sequence change falls in intron 5 of the NANS gene. It does not directly change the encoded amino acid sequence of the NANS protein. It affects a nucleotide within the consensus splice site. This variant is not present in population databases (gnomAD no frequency). This variant has not been reported in the literature in individuals affected with NANS-related conditions. ClinVar contains an entry for this variant (Variation ID: 2177518). Variants that disrupt the consensus splice site are a relatively common cause of aberrant splicing (PMID: 17576681, 9536098). Algorithms developed to predict the effect of sequence changes on RNA splicing suggest that this variant is not likely to affect RNA splicing. In summary, the available evidence is currently insufficient to determine the role of this variant in disease. Therefore, it has been classified as a Variant of Uncertain Significance.

Literature cited by the submitters: PubMed 17576681; PubMed 9536098.